The following is an entry in ClinVar:

ClinVar aggregate classification (germline): Pathogenic (1 of 4 stars; one submission).

Conditions:
Ataxia-telangiectasia syndrome (AT). Also called: Ataxia-telangiectasia, complementation group E; Ataxia-telangiectasia; ATAXIA-TELANGIECTASIA, COMPLEMENTATION GROUP A; Ataxia-telangiectasia, complementation group D; Ataxia telangiectasia (A-T); LOUIS-BAR SYNDROME. Identifiers: Orphanet 100, MedGen C0004135, MONDO:0008840, OMIM 208900.

Submission:

Labcorp Genetics (formerly Invitae), Labcorp
Classification: Pathogenic for Ataxia-telangiectasia syndrome. Last evaluated: 2022-05-27. Review status: criteria provided, single submitter. Criteria: Invitae Variant Classification Sherloc (09022015). Collection method: clinical testing. Allele origin: germline.
Comment: For these reasons, this variant has been classified as Pathogenic. Other variant(s) that result in disruption of the initiator codon have been determined to be pathogenic (PMID: 8845835, 9463314, 12552559, 21792198, 22649200). This suggests that this variant may also be clinically significant and likely to be disease-causing. Variants that disrupt the consensus splice site are a relatively common cause of aberrant splicing (PMID: 17576681, 9536098). Studies have shown that this missense change results in skipping of exon 2, and is expected to result in the loss of the initiator methionine (Invitae). Algorithms developed to predict the effect of missense changes on protein structure and function (SIFT, PolyPhen-2, Align-GVGD) all suggest that this variant is likely to be disruptive. This variant has not been reported in the literature in individuals affected with ATM-related conditions. This variant is not present in population databases (gnomAD no frequency). This sequence change replaces lysine, which is basic and polar, with asparagine, which is neutral and polar, at codon 24 of the ATM protein (p.Lys24Asn). RNA analysis indicates that this missense change induces altered splicing and is likely to result in the loss of the initiator methionine.

Literature cited by the submitters: PubMed 8845835; PubMed 9463314; PubMed 12552559; PubMed 21792198; PubMed 22649200; PubMed 17576681; PubMed 9536098.

NM_000051.4(ATM):c.72G>C (p.Lys24Asn)

Gene: ATM (ATM serine/threonine kinase; plus strand). Cytogenetic location: 11q22.3.
Variant type: single nucleotide variant.
Coding change: c.72G>C on transcript NM_000051.4 (MANE Select); coding-DNA position 72, G replaced by C.
Protein change: p.Lys24Asn; replaces lysine 24 with asparagine.
Molecular consequence: missense variant.
Genome position (GRCh38, 1-based): chr11:108,227,696, G>C. VCF-style: chr11-108227696-G-C. GRCh37 (hg19) VCF-style: chr11-108098423-G-C.
Other names: c.72G>C, p.Lys24Asn (NM_001351834.2, NM_001351835.2, NM_001351836.2); short protein forms K24N.
Identifiers: ClinVar variation 1999621 (VCV001999621.4), dbSNP rs2135006985, ClinGen allele CA382519392.